The following is an entry in ClinVar:

ClinVar aggregate classification (germline): Uncertain significance. Review status: criteria provided, multiple submitters, no conflicts (2 of 4 stars). 3 submissions from 3 submitters: Uncertain significance (3). Last evaluated 2026-01-05.

Conditions:
Osteogenesis imperfecta type I (OI1). Also called: OI, TYPE I; Osteogenesis imperfecta type 1; Lobstein's Disease; Lobstein disease; Classic Non-deforming Osteogenesis Imperfecta with Blue Sclerae; OSTEOGENESIS IMPERFECTA TARDA. Identifiers: Orphanet 216796, Orphanet 666, MedGen C0023931, MONDO:0008146, OMIM 166200. Disease mechanism: loss of function.

Allele frequency attached by ClinVar (database versions not stated): gnomAD exomes 0.00001 and 0.00002; ExAC 0.00002; gnomAD 0.00008 and 0.00009; TOPMed 0.00015.
gnomAD v4.1: 29 of 1,613,162 alleles (0.0018%); highest among the groups gnomAD compares: Middle Eastern, 0.033%; no homozygotes.

Submissions (3):

Labcorp Genetics (formerly Invitae), Labcorp
Classification: Uncertain significance for Osteogenesis imperfecta type I. Last evaluated: 2026-01-05. Review status: criteria provided, single submitter. Criteria: Invitae Variant Classification Sherloc (09022015). Collection method: clinical testing. Allele origin: germline.
Comment: This sequence change replaces glycine, which is neutral and non-polar, with alanine, which is neutral and non-polar, at codon 1459 of the COL1A1 protein (p.Gly1459Ala). This variant is present in population databases (rs767250343, gnomAD 0.002%). This variant has not been reported in the literature in individuals affected with COL1A1-related conditions. ClinVar contains an entry for this variant (Variation ID: 649441). An algorithm developed to predict the effect of missense changes on protein structure and function outputs the following: PolyPhen-2: "Not Available". The alanine amino acid residue is found in multiple mammalian species, which suggests that this missense change does not adversely affect protein function. In summary, the available evidence is currently insufficient to determine the role of this variant in disease. Therefore, it has been classified as a Variant of Uncertain Significance.

GeneDx
Classification: Uncertain significance. Last evaluated: 2025-01-08. Review status: criteria provided, single submitter. Criteria: GeneDx Variant Classification Process June 2021. Collection method: clinical testing. Allele origin: germline. Affected: yes.
Comment: Not observed at significant frequency in large population cohorts (gnomAD); In silico analysis supports that this missense variant has a deleterious effect on protein structure/function; Has not been previously published as pathogenic or benign to our knowledge; Not located in the triple helical region, where the majority of pathogenic missense variants occur (HGMD)

Blueprint Genetics
Classification: Uncertain significance. Last evaluated: 2024-05-22. Review status: criteria provided, single submitter. Criteria: ACMG Guidelines, 2015. Collection method: clinical testing. Allele origin: germline.

NM_000088.4(COL1A1):c.4376G>C (p.Gly1459Ala)

Gene: COL1A1 (collagen type I alpha 1 chain; minus strand). Cytogenetic location: 17q21.33.
Variant type: single nucleotide variant.
Coding change: c.4376G>C on transcript NM_000088.4 (MANE Select); coding-DNA position 4376, G replaced by C.
Protein change: p.Gly1459Ala; replaces glycine 1459 with alanine.
Molecular consequence: missense variant.
Genome position (GRCh38, 1-based): chr17:50,185,521, C>G on the plus strand (G>C on the coding strand, the complement: COL1A1 is on the minus strand). VCF-style: chr17-50185521-C-G. GRCh37 (hg19) VCF-style: chr17-48262882-C-G.
Other names: short protein forms G1459A.
Identifiers: ClinVar variation 649441 (VCV000649441.14), dbSNP rs767250343, ClinGen allele CA8644167.